The following is an entry in ClinVar:

ClinVar aggregate classification (germline): Uncertain significance (1 of 4 stars; one submission).

Conditions:
Early-onset Parkinson disease 20. Also called: PARKINSON DISEASE 20, AUTOSOMAL RECESSIVE EARLY-ONSET. Identifiers: Orphanet 391411, MedGen C3809824, MONDO:0014233, OMIM 615530.
Developmental and epileptic encephalopathy, 53. Also called: Epileptic encephalopathy, early infantile, 53. Identifiers: MedGen C4479313, MONDO:0033362, OMIM 617389.

Allele frequency attached by ClinVar (database versions not stated): ExAC 0.00001; gnomAD 0.00001; gnomAD exomes 0.00001 and 0.00003; TOPMed 0.00001.
gnomAD v4.1: 52 of 1,613,852 alleles (0.0032%); highest among the groups gnomAD compares: Non-Finnish European, 0.0042%; no homozygotes.

Submission:

Labcorp Genetics (formerly Invitae), Labcorp
Classification: Uncertain significance for Developmental and epileptic encephalopathy, 53; Early-onset Parkinson disease 20. Last evaluated: 2019-10-03. Review status: criteria provided, single submitter. Criteria: Invitae Variant Classification Sherloc (09022015). Collection method: clinical testing. Allele origin: germline.
Comment: This sequence change replaces threonine with alanine at codon 1598 of the SYNJ1 protein (p.Thr1598Ala). The threonine residue is moderately conserved and there is a small physicochemical difference between threonine and alanine. This variant is present in population databases (rs778073626, ExAC 0.002%). This variant has not been reported in the literature in individuals with SYNJ1-related conditions. Algorithms developed to predict the effect of missense changes on protein structure and function output the following: SIFT: "Tolerated"; PolyPhen-2: "Benign"; Align-GVGD: "Class C0". The alanine amino acid residue is found in multiple mammalian species, suggesting that this missense change does not adversely affect protein function. These predictions have not been confirmed by published functional studies and their clinical significance is uncertain. In summary, the available evidence is currently insufficient to determine the role of this variant in disease. Therefore, it has been classified as a Variant of Uncertain Significance.

NM_203446.3(SYNJ1):c.*763A>G

Gene: SYNJ1 (synaptojanin 1; minus strand). Cytogenetic location: 21q22.11.
Variant type: single nucleotide variant.
Coding change: c.*763A>G on transcript NM_203446.3 (MANE Select); 763 bases downstream of the stop codon, A replaced by G.
Molecular consequence: 3 prime UTR variant. On other transcripts: missense variant (2).
Genome position (GRCh38, 1-based): chr21:32,631,042, T>C on the plus strand (A>G on the coding strand, the complement: SYNJ1 is on the minus strand). VCF-style: chr21-32631042-T-C. GRCh37 (hg19) VCF-style: chr21-34003352-T-C.
Other names: c.*763A>G (NM_001160302.2); c.4534A>G, p.Thr1512Ala (NM_001160306.2); c.4792A>G, p.Thr1598Ala (NM_003895.4); short protein forms T1512A, T1598A.
Identifiers: ClinVar variation 965663 (VCV000965663.10), dbSNP rs778073626, ClinGen allele CA10003041.